The following is an entry in ClinVar:

NM_004656.4(BAP1):c.390G>A (p.Ala130=)

Gene: BAP1 (BRCA1 associated deubiquitinase 1; minus strand). Cytogenetic location: 3p21.1.
Variant type: single nucleotide variant.
Coding change: c.390G>A on transcript NM_004656.4 (MANE Select); coding-DNA position 390, G replaced by A.
Protein change: p.Ala130=; no amino-acid change (alanine 130 retained).
Molecular consequence: synonymous variant.
Genome position (GRCh38, 1-based): chr3:52,407,446, C>T on the plus strand (G>A on the coding strand, the complement: BAP1 is on the minus strand). VCF-style: chr3-52407446-C-T. GRCh37 (hg19) VCF-style: chr3-52441462-C-T.
Identifiers: ClinVar variation 490867 (VCV000490867.16), dbSNP rs778350656, ClinGen allele CA2437089.

ClinVar aggregate classification (germline): Benign/Likely benign. Review status: criteria provided, multiple submitters, no conflicts (2 of 4 stars). 5 submissions from 5 submitters: Benign (1); Likely benign (4). Last evaluated 2025-12-06.

Conditions:
Hereditary cancer-predisposing syndrome. Also called: Hereditary Cancer Syndrome; Neoplastic Syndromes, Hereditary; Tumor predisposition; Hereditary neoplastic syndrome. Identifiers: Orphanet 140162, MedGen C0027672, MeSH D009386, MONDO:0015356.
BAP1-related tumor predisposition syndrome (TPDS1). Also called: Tumor susceptibility linked to germline BAP1 mutations; BAP1 tumor predisposition syndrome; COMMON Syndrome; TUMOR PREDISPOSITION SYNDROME 1. Identifiers: Orphanet 289539, MedGen C3280492, MONDO:0013692, OMIM 614327.

Allele frequency attached by ClinVar (database versions not stated): TOPMed 0.00003; gnomAD 0.00005.

Submissions (5):

Labcorp Genetics (formerly Invitae), Labcorp
Classification: Likely benign for BAP1-related tumor predisposition syndrome. Last evaluated: 2025-12-06. Review status: criteria provided, single submitter. Criteria: Invitae Variant Classification Sherloc (09022015). Collection method: clinical testing. Allele origin: germline.

Quest Diagnostics Nichols Institute San Juan Capistrano
Classification: Likely benign. Last evaluated: 2025-02-28. Review status: criteria provided, single submitter. Criteria: Quest Diagnostics criteria. Collection method: clinical testing. Allele origin: unknown.

Myriad Genetics, Inc.
Classification: Benign for BAP1-related tumor predisposition syndrome. Last evaluated: 2024-07-12. Review status: criteria provided, single submitter. Criteria: Myriad Autosomal Dominant, Autosomal Recessive and X-Linked Classification Criteria (2023). Collection method: clinical testing. Allele origin: unknown.
Comment: This variant is considered benign. This variant is a silent/synonymous amino acid change and it is not expected to impact splicing.

Ambry Genetics
Classification: Likely benign for Hereditary cancer-predisposing syndrome. Last evaluated: 2018-11-26. Review status: criteria provided, single submitter. Criteria: Ambry Variant Classification Scheme 2023. Collection method: clinical testing. Allele origin: germline.

Color Diagnostics, LLC DBA Color Health
Classification: Likely benign for Hereditary cancer-predisposing syndrome. Last evaluated: 2017-05-26. Review status: criteria provided, single submitter. Criteria: ACMG Guidelines, 2015. Collection method: clinical testing. Allele origin: germline.